The following is an entry in ClinVar:

NM_000182.5(HADHA):c.509G>A (p.Gly170Asp)

Gene: HADHA (hydroxyacyl-CoA dehydrogenase trifunctional multienzyme complex subunit alpha; minus strand). Cytogenetic location: 2p23.3.
Variant type: single nucleotide variant.
Coding change: c.509G>A on transcript NM_000182.5 (MANE Select); coding-DNA position 509, G replaced by A.
Protein change: p.Gly170Asp; replaces glycine 170 with aspartic acid.
Molecular consequence: missense variant.
Genome position (GRCh38, 1-based): chr2:26,232,224, C>T on the plus strand (G>A on the coding strand, the complement: HADHA is on the minus strand). VCF-style: chr2-26232224-C-T. GRCh37 (hg19) VCF-style: chr2-26455092-C-T.
Other names: short protein forms G170D.
Identifiers: ClinVar variation 955411 (VCV000955411.7), dbSNP rs746937892, ClinGen allele CA346093230.
Genomic context (GRCh38, chr2:26,232,224, plus strand): 5'-TTGGGCAGCCTTTGTGTGCCTCCTGCTCCTGGTAAGGCCCCCAGCAAAACTTCAGGGGTA[C>T]CTAATACTGTTTTTCTGTCTTTTGTTGCTATTCTGTATTGGCATGAAATGGCAACCTTTG-3'
Protein context (NP_000173.2, residues 160-180): IATKDRKTVL[Gly170Asp]TPEVLLGALP

ClinVar aggregate classification (germline): Uncertain significance (1 of 4 stars; one submission).

Conditions:
Long chain 3-hydroxyacyl-CoA dehydrogenase deficiency. Also called: Deficiency of long-chain 3-hydroxyacyl-coenzyme A dehydrogenase; LCHAD Deficiency. Identifiers: Orphanet 5, MedGen C3711645, MONDO:0012173, OMIM 609016.
Mitochondrial trifunctional protein deficiency. Identifiers: Orphanet 746, MedGen C1969443, MONDO:0012172.

Allele frequency attached by ClinVar (database versions not stated): gnomAD 0.00001.
gnomAD v4.1: 1 of 1,603,888 alleles (0.000062%); highest among the groups gnomAD compares: Non-Finnish European, 0.000085%; no homozygotes.

Submission:

Labcorp Genetics (formerly Invitae), Labcorp
Classification: Uncertain significance for Mitochondrial trifunctional protein deficiency; Long chain 3-hydroxyacyl-CoA dehydrogenase deficiency. Last evaluated: 2021-08-27. Review status: criteria provided, single submitter. Criteria: Invitae Variant Classification Sherloc (09022015). Collection method: clinical testing. Allele origin: germline.
Comment: This sequence change replaces glycine with aspartic acid at codon 170 of the HADHA protein (p.Gly170Asp). The glycine residue is highly conserved and there is a moderate physicochemical difference between glycine and aspartic acid. This variant is not present in population databases (ExAC no frequency). This variant has not been reported in the literature in individuals affected with HADHA-related conditions. Algorithms developed to predict the effect of missense changes on protein structure and function are either unavailable or do not agree on the potential impact of this missense change (SIFT: "Deleterious"; PolyPhen-2: "Probably Damaging"; Align-GVGD: "Class C0"). In summary, the available evidence is currently insufficient to determine the role of this variant in disease. Therefore, it has been classified as a Variant of Uncertain Significance.